The following is an entry in ClinVar:

NM_030665.4(RAI1):c.2415G>A (p.Ser805=)

Gene: RAI1 (retinoic acid induced 1; plus strand). Cytogenetic location: 17p11.2.
Variant type: single nucleotide variant.
Coding change: c.2415G>A on transcript NM_030665.4 (MANE Select); coding-DNA position 2415, G replaced by A.
Protein change: p.Ser805=; no amino-acid change (serine 805 retained).
Molecular consequence: synonymous variant.
Genome position (GRCh38, 1-based): chr17:17,795,363, G>A. VCF-style: chr17-17795363-G-A. GRCh37 (hg19) VCF-style: chr17-17698677-G-A.
Other names: c.2415G>A (NM_030665.3).
Identifiers: ClinVar variation 2201478 (VCV002201478.5), dbSNP rs745917551, ClinGen allele CA8418531.

ClinVar aggregate classification (germline): Likely benign. Review status: criteria provided, multiple submitters, no conflicts (2 of 4 stars). 2 submissions from 2 submitters: Likely benign (2). Last evaluated 2026-01-17.

Conditions:
RAI1-related disorder. Also called: RAI1-related condition.

Allele frequency attached by ClinVar (database versions not stated): gnomAD 0.00001; ExAC 0.00002; TOPMed 0.00002.
gnomAD v4.1: 16 of 1,595,394 alleles (0.001%); highest among the groups gnomAD compares: Admixed American, 0.0034%; no homozygotes.

Submissions (2):

Labcorp Genetics (formerly Invitae), Labcorp
Classification: Likely benign. Last evaluated: 2026-01-17. Review status: criteria provided, single submitter. Criteria: Invitae Variant Classification Sherloc (09022015). Collection method: clinical testing. Allele origin: germline.

PreventionGenetics, part of Exact Sciences
Classification: Likely benign for RAI1-related condition. Last evaluated: 2025-05-27. Review status: criteria provided, single submitter. Criteria: ACMG Guidelines, 2015. Collection method: clinical testing. Allele origin: germline.
Comment: This variant is classified as likely benign based on ACMG/AMP sequence variant interpretation guidelines (Richards et al. 2015 PMID: 25741868, with internal and published modifications).